The following is an entry in ClinVar:

ClinVar aggregate classification (germline): Uncertain significance (1 of 4 stars; one submission).

Conditions:
SMARCE1-related disorder. Also called: SMARCE1-related condition.

Submission:

PreventionGenetics, part of Exact Sciences
Classification: Uncertain significance for SMARCE1-related condition. Last evaluated: 2023-03-09. Review status: criteria provided, single submitter. Criteria: ACMG Guidelines, 2015. Collection method: clinical testing. Allele origin: germline.
Comment: The SMARCE1 c.671T>G variant is predicted to result in the amino acid substitution p.Met224Arg. To our knowledge, this variant has not been reported in the literature or in a large population database, indicating this variant is rare. At this time, the clinical significance of this variant is uncertain due to the absence of conclusive functional and genetic evidence.

NM_003079.5(SMARCE1):c.671T>G (p.Met224Arg)

Gene: SMARCE1 (SWI/SNF related BAF chromatin remodeling complex subunit E1; minus strand). Cytogenetic location: 17q21.2.
Variant type: single nucleotide variant.
Coding change: c.671T>G on transcript NM_003079.5 (MANE Select); coding-DNA position 671, T replaced by G.
Protein change: p.Met224Arg; replaces methionine 224 with arginine.
Molecular consequence: missense variant.
Genome position (GRCh38, 1-based): chr17:40,632,238, A>C on the plus strand (T>G on the coding strand, the complement: SMARCE1 is on the minus strand). VCF-style: chr17-40632238-A-C. GRCh37 (hg19) VCF-style: chr17-38788490-A-C.
Other names: short protein forms M224R.
Identifiers: ClinVar variation 2633393 (VCV002633393.1), dbSNP rs2508598345, ClinGen allele CA399364627.